The following is an entry in ClinVar:

ClinVar aggregate classification (germline): Benign/Likely benign. Review status: criteria provided, multiple submitters, no conflicts (2 of 4 stars). 5 submissions from 5 submitters: Benign (1); Likely benign (4). Last evaluated 2025-07-31.

Conditions:
Familial cancer of breast. Also called: Hereditary breast cancer; hereditary breast carcinoma; BREAST CANCER, FAMILIAL. Identifiers: Orphanet 227535, MedGen C0346153, MONDO:0016419, OMIM 114480. Disease mechanism: loss of function.
Hereditary cancer-predisposing syndrome. Also called: Neoplastic Syndromes, Hereditary; Tumor predisposition; Hereditary Cancer Syndrome; Hereditary neoplastic syndrome. Identifiers: Orphanet 140162, MedGen C0027672, MeSH D009386, MONDO:0015356.

Allele frequency attached by ClinVar (database versions not stated): gnomAD exomes below 0.00001; TOPMed below 0.00001.
gnomAD v4.1: 6 of 1,612,482 alleles (0.00037%); highest among the groups gnomAD compares: Non-Finnish European, 0.00034%; no homozygotes.

Submissions (5):

Labcorp Genetics (formerly Invitae), Labcorp
Classification: Likely benign for Familial cancer of breast. Last evaluated: 2025-07-31. Review status: criteria provided, single submitter. Criteria: Invitae Variant Classification Sherloc (09022015). Collection method: clinical testing. Allele origin: germline.

Myriad Genetics, Inc.
Classification: Benign for Familial cancer of breast. Last evaluated: 2024-07-18. Review status: criteria provided, single submitter. Criteria: Myriad Autosomal Dominant, Autosomal Recessive and X-Linked Classification Criteria (2023). Collection method: clinical testing. Allele origin: unknown.
Comment: This variant is considered benign. This variant is a silent/synonymous amino acid change and it is not expected to impact splicing.

Color Diagnostics, LLC DBA Color Health
Classification: Likely benign for Hereditary cancer-predisposing syndrome. Last evaluated: 2018-02-20. Review status: criteria provided, single submitter. Criteria: ACMG Guidelines, 2015. Collection method: clinical testing. Allele origin: germline.

GeneDx
Classification: Likely benign. Last evaluated: 2017-05-11. Review status: criteria provided, single submitter. Criteria: GeneDx Variant Classification (06012015). Collection method: clinical testing. Allele origin: germline. Affected: yes.
Comment: This variant is considered likely benign or benign based on one or more of the following criteria: it is a conservative change, it occurs at a poorly conserved position in the protein, it is predicted to be benign by multiple in silico algorithms, and/or has population frequency not consistent with disease.

Ambry Genetics
Classification: Likely benign for Hereditary cancer-predisposing syndrome. Last evaluated: 2015-11-05. Review status: criteria provided, single submitter. Criteria: Ambry Variant Classification Scheme 2023. Collection method: clinical testing. Allele origin: germline.

NM_000465.4(BARD1):c.147C>A (p.Arg49=)

Gene: BARD1 (BRCA1 associated RING domain 1; minus strand). Cytogenetic location: 2q35.
Variant type: single nucleotide variant.
Coding change: c.147C>A on transcript NM_000465.4 (MANE Select); coding-DNA position 147, C replaced by A.
Protein change: p.Arg49=; no amino-acid change (arginine 49 retained).
Molecular consequence: synonymous variant. On other transcripts: non-coding transcript variant (3).
Genome position (GRCh38, 1-based): chr2:214,809,423, G>T on the plus strand (C>A on the coding strand, the complement: BARD1 is on the minus strand). VCF-style: chr2-214809423-G-T. GRCh37 (hg19) VCF-style: chr2-215674147-G-T.
Other names: c.147C>A, p.Arg49= (NM_001282543.2, NM_001282545.2, NM_001282548.2 and 1 more transcripts).
Identifiers: ClinVar variation 414116 (VCV000414116.20), dbSNP rs1060504191, ClinGen allele CA16610606.